The following is an entry in ClinVar:

NM_000553.6(WRN):c.959T>C (p.Phe320Ser)

Gene: WRN (WRN RecQ like helicase; plus strand). Cytogenetic location: 8p12.
Variant type: single nucleotide variant.
Coding change: c.959T>C on transcript NM_000553.6 (MANE Select); coding-DNA position 959, T replaced by C.
Protein change: p.Phe320Ser; replaces phenylalanine 320 with serine.
Molecular consequence: missense variant.
Genome position (GRCh38, 1-based): chr8:31,080,986, T>C. VCF-style: chr8-31080986-T-C. GRCh37 (hg19) VCF-style: chr8-30938502-T-C.
Other names: short protein forms F320S.
Identifiers: ClinVar variation 1412470 (VCV001412470.6), dbSNP rs2130118297, ClinGen allele CA370920030.

ClinVar aggregate classification (germline): Uncertain significance (1 of 4 stars; one submission).

Conditions:
Werner syndrome (WRN). Identifiers: Orphanet 902, MedGen C0043119, MONDO:0010196, OMIM 277700.

Submission:

Labcorp Genetics (formerly Invitae), Labcorp
Classification: Uncertain significance for Werner syndrome. Last evaluated: 2021-03-03. Review status: criteria provided, single submitter. Criteria: Invitae Variant Classification Sherloc (09022015). Collection method: clinical testing. Allele origin: germline.
Comment: This sequence change replaces phenylalanine with serine at codon 320 of the WRN protein (p.Phe320Ser). The phenylalanine residue is weakly conserved and there is a large physicochemical difference between phenylalanine and serine. This variant is not present in population databases (ExAC no frequency). In summary, the available evidence is currently insufficient to determine the role of this variant in disease. Therefore, it has been classified as a Variant of Uncertain Significance. Algorithms developed to predict the effect of missense changes on protein structure and function output the following: SIFT: "Not Available"; PolyPhen-2: "Benign"; Align-GVGD: "Not Available". The serine amino acid residue is found in multiple mammalian species, suggesting that this missense change does not adversely affect protein function. These predictions have not been confirmed by published functional studies and their clinical significance is uncertain. This variant has not been reported in the literature in individuals with WRN-related conditions.